The following is an entry in ClinVar:

NM_003126.4(SPTA1):c.4419G>A (p.Thr1473=)

Gene: SPTA1 (spectrin alpha, erythrocytic 1; minus strand). Cytogenetic location: 1q23.1.
Variant type: single nucleotide variant.
Coding change: c.4419G>A on transcript NM_003126.4 (MANE Select); coding-DNA position 4419, G replaced by A.
Protein change: p.Thr1473=; no amino-acid change (threonine 1473 retained).
Molecular consequence: synonymous variant.
Genome position (GRCh38, 1-based): chr1:158,643,345, C>T on the plus strand (G>A on the coding strand, the complement: SPTA1 is on the minus strand). VCF-style: chr1-158643345-C-T. GRCh37 (hg19) VCF-style: chr1-158613135-C-T.
Other names: c.4419G>A (NM_003126.2).
Identifiers: ClinVar variation 1557954 (VCV001557954.10), dbSNP rs771135166, ClinGen allele CA1182724.
Genomic context (GRCh38, chr1:158,643,345, plus strand): 5'-CTTCCTTTGGCACATAAAACAATCACTCAGGCCTGACCTGTCTAGTACACGTTGGAGCCG[C>T]GTAGCAATCTCTTCTTTGGCATAGTGTTCATCAGCAATGAGGCTCTCAGCAAAATGTTCT-3'
Protein context (NP_003117.2, residues 1463-1483): DEHYAKEEIA[Thr1473=]RLQRVLDRWK

ClinVar aggregate classification (germline): Likely benign. Review status: criteria provided, multiple submitters, no conflicts (2 of 4 stars). 3 submissions from 3 submitters: Likely benign (2). 1 of the submissions does not count toward it. Last evaluated 2024-09-18.

Conditions:
SPTA1-related disorder. Also called: SPTA1-related condition; SPTA1-related disorders.

Allele frequency attached by ClinVar (database versions not stated): ExAC 0.00001; gnomAD exomes 0.00002 and 0.00003; TOPMed 0.00002.

Submissions (3):

Blueprint Genetics
Classification: Likely benign. Last evaluated: 2024-09-18. Review status: criteria provided, single submitter. Criteria: ACMG Guidelines, 2015. Collection method: clinical testing. Allele origin: germline.

Labcorp Genetics (formerly Invitae), Labcorp
Classification: Likely benign. Last evaluated: 2022-09-08. Review status: criteria provided, single submitter. Criteria: Invitae Variant Classification Sherloc (09022015). Collection method: clinical testing. Allele origin: germline.

PreventionGenetics, part of Exact Sciences
Classification: Likely benign for SPTA1-related condition. Last evaluated: 2019-08-05. Review status: no assertion criteria provided. Collection method: clinical testing. Allele origin: germline. Not counted in ClinVar's aggregate classification.
Comment: This variant is classified as likely benign based on ACMG/AMP sequence variant interpretation guidelines (Richards et al. 2015 PMID: 25741868, with internal and published modifications).